The following is an entry in ClinVar:

NM_000257.4(MYH7):c.5696T>C (p.Val1899Ala)

Gene: MYH7 (myosin heavy chain 7; minus strand). Cytogenetic location: 14q11.2.
Variant type: single nucleotide variant.
Coding change: c.5696T>C on transcript NM_000257.4 (MANE Select); coding-DNA position 5696, T replaced by C.
Protein change: p.Val1899Ala; replaces valine 1899 with alanine.
Molecular consequence: missense variant.
Genome position (GRCh38, 1-based): chr14:23,413,853, A>G on the plus strand (T>C on the coding strand, the complement: MYH7 is on the minus strand). VCF-style: chr14-23413853-A-G. GRCh37 (hg19) VCF-style: chr14-23883062-A-G.
Other names: short protein forms V1899A.
Identifiers: ClinVar variation 177891 (VCV000177891.6), dbSNP rs727504384, ClinGen allele CA016376.

ClinVar aggregate classification (germline): Uncertain significance. Review status: criteria provided, multiple submitters, no conflicts (2 of 4 stars). 3 submissions from 3 submitters: Uncertain significance (2). 1 of the submissions does not count toward it. Last evaluated 2025-01-15.

Conditions:
Cardiovascular phenotype. Identifiers: MedGen CN230736.

Allele frequency attached by ClinVar (database versions not stated): gnomAD exomes below 0.00001; ExAC 0.00001.
gnomAD v4.1: 2 of 1,614,176 alleles (0.00012%); highest among the groups gnomAD compares: Non-Finnish European, 0.00017%; no homozygotes.

Submissions (3):

Ambry Genetics
Classification: Uncertain significance for Cardiovascular phenotype. Last evaluated: 2025-01-15. Review status: criteria provided, single submitter. Criteria: Ambry Variant Classification Scheme 2023. Collection method: clinical testing. Allele origin: germline.
Comment: The p.V1899A variant (also known as c.5696T>C), located in coding exon 37 of the MYH7 gene, results from a T to C substitution at nucleotide position 5696. The valine at codon 1899 is replaced by alanine, an amino acid with similar properties. This variant was reported in individual(s) with features consistent with hypertrophic cardiomyopathy (HCM) (Homburger JR et al. Proc Natl Acad Sci U S A, 2016 Jun;113:6701-6; Walsh R et al. Genet Med, 2017 Feb;19:192-203). This amino acid position is not well conserved in available vertebrate species. In addition, this alteration is predicted to be tolerated by in silico analysis. Based on the available evidence, the clinical significance of this variant remains unclear.

Blueprint Genetics
Classification: Uncertain significance. Last evaluated: 2023-04-11. Review status: criteria provided, single submitter. Criteria: ACMG Guidelines, 2015. Collection method: clinical testing. Allele origin: germline.

Laboratory for Molecular Medicine, Mass General Brigham Personalized Medicine
Classification: Uncertain significance. Last evaluated: 2013-02-14. Review status: no assertion criteria provided. Collection method: clinical testing. Allele origin: germline. Observed: 1 variant allele. Not counted in ClinVar's aggregate classification.
Comment: proposed classification - variant undergoing re-assessment, contact laboratory

Literature cited by the submitters: PubMed 27247418 (cited by Ambry Genetics); PubMed 27532257 (cited by Ambry Genetics); PubMed 30297972 (cited by Ambry Genetics).